The following is an entry in ClinVar:

ClinVar aggregate classification (germline): Uncertain significance (1 of 4 stars; one submission).

Conditions:
Cerebral cavernous malformation (CCM). Also called: CAVERNOUS ANGIOMA, FAMILIAL; CAVERNOUS ANGIOMATOUS MALFORMATIONS; CEREBRAL CAPILLARY MALFORMATIONS; Cavernous Hemangioma of Brain; Cerebral cavernous malformations; Cerebral cavernous hemangioma (type). Identifiers: Orphanet 221061, MedGen C2919945, MONDO:0000820, OMIM 116860, HP:0033522.

gnomAD v4.1: 4 of 1,606,908 alleles (0.00025%); highest among the groups gnomAD compares: Non-Finnish European, 0.00034%; no homozygotes.

Submission:

Labcorp Genetics (formerly Invitae), Labcorp
Classification: Uncertain significance for Cerebral cavernous malformation. Last evaluated: 2025-11-02. Review status: criteria provided, single submitter. Criteria: Invitae Variant Classification Sherloc (09022015). Collection method: clinical testing. Allele origin: germline.
Comment: This sequence change replaces isoleucine, which is neutral and non-polar, with leucine, which is neutral and non-polar, at codon 463 of the KRIT1 protein (p.Ile463Leu). This variant is present in population databases (no rsID available, gnomAD 0.0009%). This variant has not been reported in the literature in individuals affected with KRIT1-related conditions. Invitae Evidence Modeling of protein sequence and biophysical properties (such as structural, functional, and spatial information, amino acid conservation, physicochemical variation, residue mobility, and thermodynamic stability) indicates that this missense variant is not expected to disrupt KRIT1 protein function with a negative predictive value of 80%. In summary, the available evidence is currently insufficient to determine the role of this variant in disease. Therefore, it has been classified as a Variant of Uncertain Significance.

NM_194454.3(KRIT1):c.1387A>C (p.Ile463Leu)

Gene: KRIT1 (KRIT1 ankyrin repeat containing; minus strand). Cytogenetic location: 7q21.2.
Variant type: single nucleotide variant.
Coding change: c.1387A>C on transcript NM_194454.3 (MANE Select); coding-DNA position 1387, A replaced by C.
Protein change: p.Ile463Leu; replaces isoleucine 463 with leucine.
Molecular consequence: missense variant.
Genome position (GRCh38, 1-based): chr7:92,222,846, T>G on the plus strand (A>C on the coding strand, the complement: KRIT1 is on the minus strand). VCF-style: chr7-92222846-T-G. GRCh37 (hg19) VCF-style: chr7-91852160-T-G.
Other names: c.1243A>C, p.Ile415Leu (NM_001013406.2, NM_001350669.1, NM_001350670.1); c.673A>C, p.Ile225Leu (NM_001350671.1); c.1387A>C, p.Ile463Leu (NM_001350672.1, NM_001350673.1, NM_001350674.1 and 26 more transcripts); short protein forms I463L, I415L, I225L.
Identifiers: ClinVar variation 4776666 (VCV004776666.1).